The following is an entry in ClinVar:

NM_014319.5(LEMD3):c.937G>C (p.Gly313Arg)

Gene: LEMD3 (LEM domain containing 3; plus strand). Cytogenetic location: 12q14.3.
Variant type: single nucleotide variant.
Coding change: c.937G>C on transcript NM_014319.5 (MANE Select); coding-DNA position 937, G replaced by C.
Protein change: p.Gly313Arg; replaces glycine 313 with arginine.
Molecular consequence: missense variant.
Genome position (GRCh38, 1-based): chr12:65,170,533, G>C. VCF-style: chr12-65170533-G-C. GRCh37 (hg19) VCF-style: chr12-65564313-G-C.
Other names: c.937G>C, p.Gly313Arg (NM_001167614.2); short protein forms G313R.
Identifiers: ClinVar variation 3631882 (VCV003631882.2).
Genomic context (GRCh38, chr12:65,170,533, plus strand): 5'-CCTCTCCCCCCGCTGACTGCTAAATCGGCCGGCGGCAGGCTGGAGACTTCAGTTCAGGGA[G>C]GGGGAGGACTCGCGATGAATGACAGGGCGGCGGCTGCCGGGAGTCTAGACAGGAGCCGAA-3'
Protein context (NP_055134.2, residues 303-323): GGRLETSVQG[Gly313Arg]GGLAMNDRAA

ClinVar aggregate classification (germline): Uncertain significance (1 of 4 stars; one submission).

gnomAD v4.1: 14 of 1,614,074 alleles (0.00087%); highest among the groups gnomAD compares: Middle Eastern, 0.016%; no homozygotes.

Submission:

Labcorp Genetics (formerly Invitae), Labcorp
Classification: Uncertain significance. Last evaluated: 2025-12-01. Review status: criteria provided, single submitter. Criteria: Invitae Variant Classification Sherloc (09022015). Collection method: clinical testing. Allele origin: germline.
Comment: This sequence change replaces glycine, which is neutral and non-polar, with arginine, which is basic and polar, at codon 313 of the LEMD3 protein (p.Gly313Arg). This variant is present in population databases (rs200070970, gnomAD 0.02%). This variant has not been reported in the literature in individuals affected with LEMD3-related conditions. ClinVar contains an entry for this variant (Variation ID: 3631882). Invitae Evidence Modeling of protein sequence and biophysical properties (such as structural, functional, and spatial information, amino acid conservation, physicochemical variation, residue mobility, and thermodynamic stability) indicates that this missense variant is not expected to disrupt LEMD3 protein function with a negative predictive value of 80%. In summary, the available evidence is currently insufficient to determine the role of this variant in disease. Therefore, it has been classified as a Variant of Uncertain Significance.